The following is an entry in ClinVar:

ClinVar aggregate classification (germline): Uncertain significance (1 of 4 stars; one submission).

Conditions:
Brachyolmia-amelogenesis imperfecta syndrome. Also called: Tooth agenesis, selective, 6; Dental anomalies and short stature; PLATYSPONDYLY WITH AMELOGENESIS IMPERFECTA. Identifiers: Orphanet 2899, MedGen C1832594, MONDO:0011018, OMIM 601216. Disease mechanism: loss of function.

Submission:

Labcorp Genetics (formerly Invitae), Labcorp
Classification: Uncertain significance for Brachyolmia-amelogenesis imperfecta syndrome. Last evaluated: 2025-02-13. Review status: criteria provided, single submitter. Criteria: Invitae Variant Classification Sherloc (09022015). Collection method: clinical testing. Allele origin: germline.
Comment: This sequence change replaces asparagine, which is neutral and polar, with serine, which is neutral and polar, at codon 640 of the LTBP3 protein (p.Asn640Ser). This variant is not present in population databases (gnomAD no frequency). This variant has not been reported in the literature in individuals affected with LTBP3-related conditions. An algorithm developed to predict the effect of missense changes on protein structure and function (PolyPhen-2) suggests that this variant is likely to be tolerated. In summary, the available evidence is currently insufficient to determine the role of this variant in disease. Therefore, it has been classified as a Variant of Uncertain Significance.

NM_001130144.3(LTBP3):c.1919A>G (p.Asn640Ser)

Genes: LTBP3 (latent transforming growth factor beta binding protein 3; minus strand), LOC130006032 (ATAC-STARR-seq lymphoblastoid silent region 3535; plus strand). Cytogenetic location: 11q13.1.
Variant type: single nucleotide variant.
Coding change: c.1919A>G on transcript NM_001130144.3 (MANE Select); coding-DNA position 1919, A replaced by G.
Protein change: p.Asn640Ser; replaces asparagine 640 with serine.
Molecular consequence: missense variant.
Genome position (GRCh38, 1-based): chr11:65,547,749, T>C on the plus strand (A>G on the coding strand, the complement: LTBP3 is on the minus strand). VCF-style: chr11-65547749-T-C. GRCh37 (hg19) VCF-style: chr11-65315220-T-C.
Other names: c.1568A>G, p.Asn523Ser (NM_001164266.1); c.1919A>G, p.Asn640Ser (NM_021070.4); short protein forms N640S, N523S.
Identifiers: ClinVar variation 4703716 (VCV004703716.1).